The following is an entry in ClinVar:

NM_001349253.2(SCN11A):c.4327+6T>A

Gene: SCN11A (sodium voltage-gated channel alpha subunit 11; minus strand). Cytogenetic location: 3p22.2.
Variant type: single nucleotide variant.
Coding change: c.4327+6T>A on transcript NM_001349253.2 (MANE Select); 6 bases into the intron after coding-DNA position 4327, T replaced by A.
Molecular consequence: intron variant.
Genome position (GRCh38, 1-based): chr3:38,850,475, A>T on the plus strand (T>A on the coding strand, the complement: SCN11A is on the minus strand). VCF-style: chr3-38850475-A-T. GRCh37 (hg19) VCF-style: chr3-38891966-A-T.
Other names: c.4327+6T>A (NM_014139.3).
Identifiers: ClinVar variation 3761591 (VCV003761591.2).

ClinVar aggregate classification (germline): Uncertain significance (1 of 4 stars; one submission).

Conditions:
Hereditary sensory and autonomic neuropathy type 7. Also called: HSAN VII; Neuropathy, hereditary sensory and autonomic, type VII. Identifiers: Orphanet 391397, MedGen C3809882, MONDO:0014244, OMIM 615548.
Familial episodic pain syndrome with predominantly lower limb involvement. Also called: Episodic pain syndrome, familial, 3. Identifiers: Orphanet 391384, Orphanet 391392, MedGen C3809899, MONDO:0014247, OMIM 615552.

gnomAD v4.1: 2 of 1,608,970 alleles (0.00012%); highest among the groups gnomAD compares: Non-Finnish European, 0.00017%; no homozygotes.

Submission:

Labcorp Genetics (formerly Invitae), Labcorp
Classification: Uncertain significance for Familial episodic pain syndrome with predominantly lower limb involvement; Hereditary sensory and autonomic neuropathy type 7. Last evaluated: 2024-10-15. Review status: criteria provided, single submitter. Criteria: Invitae Variant Classification Sherloc (09022015). Collection method: clinical testing. Allele origin: germline.
Comment: This sequence change falls in intron 25 of the SCN11A gene. It does not directly change the encoded amino acid sequence of the SCN11A protein. It affects a nucleotide within the consensus splice site. This variant is not present in population databases (gnomAD no frequency). This variant has not been reported in the literature in individuals affected with SCN11A-related conditions. Variants that disrupt the consensus splice site are a relatively common cause of aberrant splicing (PMID: 17576681, 9536098). Algorithms developed to predict the effect of sequence changes on RNA splicing suggest that this variant may disrupt the consensus splice site. In summary, the available evidence is currently insufficient to determine the role of this variant in disease. Therefore, it has been classified as a Variant of Uncertain Significance.

Literature cited by the submitters: PubMed 17576681; PubMed 9536098.